The following is an entry in ClinVar:

NM_053056.3(CCND1):c.387_392delinsGGAG (p.Asp129fs)

Genes: CCND1 (cyclin D1; plus strand), LOC130006292 (ATAC-STARR-seq lymphoblastoid silent region 3696; plus strand). Cytogenetic location: 11q13.3.
Variant type: Indel.
Coding change: c.387_392delinsGGAG on transcript NM_053056.3 (MANE Select); coding-DNA positions 387 to 392, CAACTC replaced by GGAG.
Protein change: p.Asp129fs; shifts the reading frame from aspartic acid 129.
Molecular consequence: frameshift variant.
Genome position (GRCh38, 1-based): chr11:69,643,219-69,643,224, CAACTC replaced by GGAG. VCF-style: chr11-69643219-CAACTC-GGAG. GRCh37 (hg19) VCF-style: chr11-69457987-CAACTC-GGAG.
Other names: c.387_392delCAACTCinsGGAG, p.Asp129Glufs (NM_053056.2); short protein forms D129fs.
Identifiers: ClinVar variation 2581321 (VCV002581321.1), dbSNP rs2539073699, ClinGen allele CA2582341881.

ClinVar aggregate classification (germline): Uncertain significance (1 of 4 stars; one submission).

Submission:

Women's Health and Genetics/Laboratory Corporation of America, LabCorp
Classification: Uncertain significance. Last evaluated: 2023-08-23. Review status: criteria provided, single submitter. Criteria: LabCorp Variant Classification Summary - May 2015. Collection method: clinical testing. Allele origin: germline.
Comment: Variant summary: CCND1 c.387_392delinsGGAG (p.Asp129GlufsX33) results in a premature termination codon, predicted to cause a truncation of the encoded protein or absence of the protein due to nonsense mediated decay, however the molecular mechanism of disease attributed to CCND1 is currently unknown. The variant was absent in 216844 control chromosomes (gnomAD). The available data on variant occurrences in the general population are insufficient to allow any conclusion about variant significance. To our knowledge, no occurrence of c.387_392delinsGGAG in individuals affected with CCND1-Related Disorders and no experimental evidence demonstrating its impact on protein function have been reported. No submitters have cited clinical-significance assessments for this variant to ClinVar after 2014. Based on the evidence outlined above, the variant was classified as uncertain significance.